The following is an entry in ClinVar:

ClinVar aggregate classification (germline): Benign/Likely benign. Review status: criteria provided, multiple submitters, no conflicts (2 of 4 stars). 9 submissions from 9 submitters: Benign (3); Likely benign (2). 4 of the submissions do not count toward it. Last evaluated 2026-08-01.

Conditions:
FAT4-related disorder. Also called: FAT4-related condition.

Allele frequency attached by ClinVar (database versions not stated): 1000 Genomes Project 30x 0.00234; 1000 Genomes Project 0.00280; TOPMed 0.00449; gnomAD exomes 0.00505 and 0.00786; ExAC 0.00510; gnomAD 0.00527 and 0.00545; ESP Exome Variant Server 0.00661.
gnomAD v4.1: 12,170 of 1,614,086 alleles (0.75%); highest among the groups gnomAD compares: Non-Finnish European, 0.92%; 59 homozygotes.

Submissions (12):

CeGaT Center for Human Genetics Tuebingen
Classification: Likely benign. Last evaluated: 2026-08-01. Review status: criteria provided, single submitter. Criteria: CeGaT Center For Human Genetics Tuebingen Variant Classification Criteria Version 2. Collection method: clinical testing. Allele origin: germline. Affected: yes. Observed: 36 variant alleles.
Comment: FAT4: BP4, BP7, BS2

Labcorp Genetics (formerly Invitae), Labcorp
Classification: Benign. Last evaluated: 2026-02-01. Review status: criteria provided, single submitter. Criteria: Invitae Variant Classification Sherloc (09022015). Collection method: clinical testing. Allele origin: germline.

Blueprint Genetics
Classification: Likely benign. Last evaluated: 2024-11-21. Review status: criteria provided, single submitter. Criteria: ACMG Guidelines, 2015. Collection method: clinical testing. Allele origin: germline.

GeneDx
Classification: Benign. Last evaluated: 2016-03-30. Review status: criteria provided, single submitter. Criteria: GeneDx Variant Classification (06012015). Collection method: clinical testing. Allele origin: germline. Affected: yes.
Comment: This variant is considered likely benign or benign based on one or more of the following criteria: it is a conservative change, it occurs at a poorly conserved position in the protein, it is predicted to be benign by multiple in silico algorithms, and/or has population frequency not consistent with disease.

Breakthrough Genomics
Classification: Benign. Review status: criteria provided, single submitter. Criteria: ACMG Guidelines, 2015. Collection method: not provided. Allele origin: germline. Inheritance: Autosomal recessive inheritance. Affected: yes.

PreventionGenetics, part of Exact Sciences
Classification: Benign for FAT4-related condition. Last evaluated: 2019-07-15. Review status: no assertion criteria provided. Collection method: clinical testing. Allele origin: germline. Not counted in ClinVar's aggregate classification.
Comment: This variant is classified as benign based on ACMG/AMP sequence variant interpretation guidelines (Richards et al. 2015 PMID: 25741868, with internal and published modifications).

Clinical Genetics DNA and cytogenetics Diagnostics Lab, Erasmus MC, Erasmus Medical Center
Classification: Likely benign. Review status: no assertion criteria provided. Collection method: clinical testing. Allele origin: germline. Affected: yes. Study: VKGL Data-share Consensus. Not counted in ClinVar's aggregate classification.

Clinical Genetics, Academic Medical Center
Classification: Benign. Review status: no assertion criteria provided. Collection method: clinical testing. Allele origin: germline. Affected: yes. Study: VKGL Data-share Consensus. Not counted in ClinVar's aggregate classification.

Dr. Peter K. Rogan Lab, Western University
No classification provided (evidence only). Condition: Lung cancer. Review status: no classification provided. Collection method: in vitro. Allele origin: not applicable. Functional consequence: retained intron. Not counted in ClinVar's aggregate classification.

Dr. Peter K. Rogan Lab, Western University
No classification provided (evidence only). Condition: Cervical cancer. Review status: no classification provided. Collection method: in vitro. Allele origin: not applicable. Functional consequence: retained intron. Not counted in ClinVar's aggregate classification.

Dr. Peter K. Rogan Lab, Western University
No classification provided (evidence only). Condition: Gastric cancer. Review status: no classification provided. Collection method: in vitro. Allele origin: not applicable. Functional consequence: retained intron. Not counted in ClinVar's aggregate classification.

Laboratory of Diagnostic Genome Analysis, Leiden University Medical Center (LUMC)
Classification: Likely benign. Review status: no assertion criteria provided. Collection method: clinical testing. Allele origin: germline. Affected: yes. Study: VKGL Data-share Consensus. Not counted in ClinVar's aggregate classification.

NM_001291303.3(FAT4):c.6219A>G (p.Gln2073=)

Gene: FAT4 (FAT atypical cadherin 4; plus strand). Cytogenetic location: 4q28.1.
Variant type: single nucleotide variant.
Coding change: c.6219A>G on transcript NM_001291303.3 (MANE Select); coding-DNA position 6219, A replaced by G.
Protein change: p.Gln2073=; no amino-acid change (glutamine 2073 retained).
Molecular consequence: synonymous variant.
Genome position (GRCh38, 1-based): chr4:125,415,182, A>G. VCF-style: chr4-125415182-A-G. GRCh37 (hg19) VCF-style: chr4-126336337-A-G.
Other names: c.6219A>G, p.Gln2073= (NM_001291285.3, NM_024582.6).
Identifiers: ClinVar variation 384835 (VCV000384835.41), dbSNP rs35355603, ClinGen allele CA3072884.
Genomic context (GRCh38, chr4:125,415,182, plus strand): 5'-CCCTAAATTGACATACATTCCAGAAAATACACCTATTGATACTGTTGTTTTCAAAGCTCA[A>G]GCAACTGACCCAGATAGTGGCCCAAACAGCTATATTGAGTACACTCTGCTGAACCCTTTG-3'
Protein context (NP_001278232.1, residues 2063-2083): TPIDTVVFKA[Gln2073=]ATDPDSGPNS